The following is an entry in ClinVar:

NM_001733.7(C1R):c.265T>C (p.Cys89Arg)

Gene: C1R (complement C1r; minus strand). Cytogenetic location: 12p13.31.
Variant type: single nucleotide variant.
Coding change: c.265T>C on transcript NM_001733.7 (MANE Select); coding-DNA position 265, T replaced by C.
Protein change: p.Cys89Arg; replaces cysteine 89 with arginine.
Molecular consequence: missense variant.
Genome position (GRCh38, 1-based): chr12:7,090,215, A>G on the plus strand (T>C on the coding strand, the complement: C1R is on the minus strand). VCF-style: chr12-7090215-A-G. GRCh37 (hg19) VCF-style: chr12-7242811-A-G.
Other names: c.307T>C, p.Cys103Arg (NM_001354346.2); short protein forms C103R, C89R.
Identifiers: ClinVar variation 972707 (VCV000972707.2), dbSNP rs1938242419, ClinGen allele CA383728273.

ClinVar aggregate classification (germline): Likely pathogenic (0 of 4 stars; one submission).

Conditions:
Ehlers-Danlos syndrome (EDS). Identifiers: Orphanet 98249, MedGen C0013720, MONDO:0020066.

Submission:

Department of Periodontology, Nanjing Stomatological Hospital, Medical School of Nanjing University
Classification: Likely pathogenic for Ehlers-Danlos syndrome. Last evaluated: 2020-04-25. Review status: no assertion criteria provided. Collection method: clinical testing. Allele origin: inherited. Inheritance: Autosomal dominant inheritance. Affected: yes. Observed: 4 variant alleles, 4 heterozygotes.
Comment: The Cys276Arg variant in C1R has been reported in 1 Chinese families with autosomal dominant associated with severe periodontitis and tooth loss, clinical features suggested a provisional diagnosis of periodontal Ehlers-Danlos syndrome. Whole-exome sequencing identified the Cys276Arg variant in C1R in all affected family members tested (3 affected relatives) and none of the unaffected members (3 relatives) showed genetic findings. The functional context of the Cys276Arg variant in C1R was predicted by sorting intolerant from tolerant (SIFT) and polymorphism phenotyping (Polyphen) v2.0 sharewares: SIFT prediction = 0, deleterious; Polyphen-2 prediction = 0.962, probably damaging. In summary, the Cys276Arg in C1R meets our criteria to be classified as pathogenic.

Literature cited by the submitters: DOI 10.1111/jcpe.12988.